The following is an entry in ClinVar:

NM_020686.6(ABAT):c.199A>T (p.Asn67Tyr)

Gene: ABAT (4-aminobutyrate aminotransferase; plus strand). Cytogenetic location: 16p13.2.
Variant type: single nucleotide variant.
Coding change: c.199A>T on transcript NM_020686.6 (MANE Select); coding-DNA position 199, A replaced by T.
Protein change: p.Asn67Tyr; replaces asparagine 67 with tyrosine.
Molecular consequence: missense variant. On other transcripts: intron variant (2).
Genome position (GRCh38, 1-based): chr16:8,750,422, A>T. VCF-style: chr16-8750422-A-T. GRCh37 (hg19) VCF-style: chr16-8844279-A-T.
Other names: c.199A>T, p.Asn67Tyr (NM_000663.5, NM_001127448.2, NM_001386603.1 and 11 more transcripts); c.101-37A>T (NM_001386610.1); c.71-7335A>T (NM_001386614.1); c.64A>T, p.Asn22Tyr (NM_001386611.1, NM_001386612.1, NM_001386613.1); short protein forms N22Y, N67Y.
Identifiers: ClinVar variation 2706590 (VCV002706590.3), dbSNP rs2549024686, ClinGen allele CA394687739.
Genomic context (GRCh38, chr16:8,750,422, plus strand): 5'-TAAAAGCCCAAGAATCTAGGGAGTGGCAGTGAGCCTGAGTTGGTCTTTTCTTTCTCCAAG[A>T]ATGCAGAGGCTGTGCATTTTTTCTGCAATTACGAAGAGAGCCGAGGCAATTACCTGGTTG-3'
Protein context (NP_065737.2, residues 57-77): ELMKQLNIIQ[Asn67Tyr]AEAVHFFCNY

ClinVar aggregate classification (germline): Uncertain significance (1 of 4 stars; one submission).

Conditions:
Gamma-aminobutyric acid transaminase deficiency (GABATD). Also called: GABA aminotransaminase deficiency; GABA transaminase deficiency; Gamma aminobutyrate transaminase deficiency; 4 alpha aminobutyrate transaminase deficiency. Identifiers: Orphanet 2066, MedGen C0342708, MONDO:0013166, OMIM 613163.

Allele frequency attached by ClinVar (database versions not stated): gnomAD exomes below 0.00001.
gnomAD v4.1: 1 of 1,613,956 alleles (0.000062%); highest among the groups gnomAD compares: East Asian, 0.0022%; no homozygotes.

Submission:

Labcorp Genetics (formerly Invitae), Labcorp
Classification: Uncertain significance for Gamma-aminobutyric acid transaminase deficiency. Last evaluated: 2023-12-30. Review status: criteria provided, single submitter. Criteria: Invitae Variant Classification Sherloc (09022015). Collection method: clinical testing. Allele origin: germline.
Comment: This sequence change replaces asparagine, which is neutral and polar, with tyrosine, which is neutral and polar, at codon 67 of the ABAT protein (p.Asn67Tyr). This variant is not present in population databases (gnomAD no frequency). This variant has not been reported in the literature in individuals affected with ABAT-related conditions. An algorithm developed to predict the effect of missense changes on protein structure and function (PolyPhen-2) suggests that this variant is likely to be tolerated. In summary, the available evidence is currently insufficient to determine the role of this variant in disease. Therefore, it has been classified as a Variant of Uncertain Significance.